The following is an entry in ClinVar:

NM_001429.4(EP300):c.4373CCAAGC[1] (p.1458PK[1])

Gene: EP300 (EP300 lysine acetyltransferase; plus strand). Cytogenetic location: 22q13.2.
Variant type: Microsatellite.
Coding change: c.4373CCAAGC[1] on transcript NM_001429.4 (MANE Select); one copy of the 6-base unit CCAAGC starting at c.4373; the reference has two copies in a row; one copy, 6 bases deleted.
Protein change: p.1458PK[1].
Molecular consequence: inframe deletion.
Genome position (GRCh38, 1-based): chr22:41,170,498-41,170,503, CCAAGC deleted; deleting any 6 consecutive bases within chr22:41,170,491-41,170,503 gives the same sequence; the position shown is the placement nearest the transcript's 3' end. VCF-style (leftmost placement, unchanged base first): chr22-41170490-ACCCAAG-A. GRCh37 (hg19) VCF-style: chr22-41566494-ACCCAAG-A.
Other names: c.4295CCAAGC[1], p.1432PK[1] (NM_001362843.2).
Identifiers: ClinVar variation 4997411 (VCV004997411.1).

ClinVar aggregate classification (germline): Uncertain significance (1 of 4 stars; one submission).

Conditions:
EP300-related disorder. Also called: EP300-related condition; EP300-related disorders.

Submission:

PreventionGenetics, part of Exact Sciences
Classification: Uncertain significance for EP300-related condition. Last evaluated: 2025-03-13. Review status: criteria provided, single submitter. Criteria: ACMG Guidelines, 2015. Collection method: clinical testing. Allele origin: germline.
Comment: The EP300 c.4379_4384del6 variant is predicted to result in an in-frame deletion (p.Pro1460_Lys1461del). A similar deletion at adjacent residues that disrupts the neighboring Pro-Lys (c.4371_4376del, p.Ile1457_Lys1459delinsMet) has been reported to occur de novo in a patient with features of Rubinstein-Taybi syndrome 2 (Supp. Table 1 Elliott et al. 2022. PubMed ID: 35599849). To our knowledge, this variant has not been reported in the literature or in a large population database (gnomAD), indicating this variant is rare. At this time, the clinical significance of this variant is uncertain due to the absence of conclusive functional and genetic evidence.